The following is an entry in ClinVar:

ClinVar aggregate classification (germline): Uncertain significance (1 of 4 stars; one submission).

Conditions:
Inborn genetic diseases. Identifiers: MedGen C0950123, MeSH D030342.

Submission:

Ambry Genetics
Classification: Uncertain significance for Inborn genetic diseases. Last evaluated: 2026-07-19. Review status: criteria provided, single submitter. Criteria: Ambry Variant Classification Scheme 2023. Collection method: clinical testing. Allele origin: germline.
Comment: The p.G580R variant (also known as c.1738G>C), located in coding exon 13 of the FANCG gene, results from a G to C substitution at nucleotide position 1738. The glycine at codon 580 is replaced by arginine, an amino acid with dissimilar properties. This amino acid position is conserved. In addition, this alteration is predicted to be tolerated by in silico analysis. Based on the available evidence, the clinical significance of this variant remains unclear.

NM_004629.2(FANCG):c.1738G>C (p.Gly580Arg)

Gene: FANCG (FA complementation group G; minus strand). Cytogenetic location: 9p13.3.
Variant type: single nucleotide variant.
Coding change: c.1738G>C on transcript NM_004629.2 (MANE Select); coding-DNA position 1738, G replaced by C.
Protein change: p.Gly580Arg; replaces glycine 580 with arginine.
Molecular consequence: missense variant.
Genome position (GRCh38, 1-based): chr9:35,074,393, C>G on the plus strand (G>C on the coding strand, the complement: FANCG is on the minus strand). VCF-style: chr9-35074393-C-G. GRCh37 (hg19) VCF-style: chr9-35074390-C-G.
Other names: short protein forms G580R.
Identifiers: ClinVar variation 5036512 (VCV005036512.1).